The following is an entry in ClinVar:

ClinVar aggregate classification (germline): Uncertain significance (1 of 4 stars; one submission).

gnomAD v4.1: 2 of 1,597,882 alleles (0.00013%); highest among the groups gnomAD compares: East Asian, 0.0045%; no homozygotes.

Submission:

Women's Health and Genetics/Laboratory Corporation of America, LabCorp
Classification: Uncertain significance. Last evaluated: 2021-04-27. Review status: criteria provided, single submitter. Criteria: LabCorp Variant Classification Summary - May 2015. Collection method: clinical testing. Allele origin: germline.
Comment: Variant summary: STK11 c.465-5C>A alters a non-conserved nucleotide located close to a canonical splice site and therefore could affect mRNA splicing, leading to a significantly altered protein sequence. Several computational tools predict a significant impact on normal splicing: Two predict the variant creates a cryptic 3 acceptor site. One predicts the variant weakens a canonical 3 acceptor site. Two predict the variant abolishes a canonical 3 acceptor site. However, these predictions have yet to be confirmed by functional studies. The variant was absent in 222464 control chromosomes (gnomAD). The available data on variant occurrences in the general population are insufficient to allow any conclusion about variant significance. To our knowledge, no occurrence of c.465-5C>A in individuals affected with Peutz-Jeghers Syndrome and no experimental evidence demonstrating its impact on protein function have been reported. No clinical diagnostic laboratories have submitted clinical-significance assessments for this variant to ClinVar after 2014. Based on the evidence outlined above, the variant was classified as uncertain significance.

NM_000455.5(STK11):c.465-5C>A

Gene: STK11 (serine/threonine kinase 11; plus strand). Cytogenetic location: 19p13.3.
Variant type: single nucleotide variant.
Coding change: c.465-5C>A on transcript NM_000455.5 (MANE Select); 5 bases into the intron before coding-DNA position 465, C replaced by A.
Molecular consequence: intron variant.
Genome position (GRCh38, 1-based): chr19:1,220,368, C>A. VCF-style: chr19-1220368-C-A. GRCh37 (hg19) VCF-style: chr19-1220367-C-A.
Identifiers: ClinVar variation 633436 (VCV000633436.2), dbSNP rs567202367, ClinGen allele CA913190683.
Genomic context (GRCh38, chr19:1,220,368, plus strand): 5'-GCAAAGGGGACCCCTGTGAGGGGCAGGGAGGCCTCGGCCCCAGGACGGGTGTGTGCTGCC[C>A]GCAGGTACTTCTGTCAGCTGATTGACGGCCTGGAGTACCTGCATAGCCAGGGCATTGTGC-3'